The following is an entry in ClinVar:

ClinVar aggregate classification (germline): Uncertain significance (1 of 4 stars; one submission).

Conditions:
Neuronal ceroid lipofuscinosis. Also called: Neuronal Ceroid Lipofuscinoses. Identifiers: Orphanet 216, Orphanet 79263, MedGen C0027877, MONDO:0016295. Disease mechanism: loss of function.

Submission:

Labcorp Genetics (formerly Invitae), Labcorp
Classification: Uncertain significance for Neuronal ceroid lipofuscinosis. Last evaluated: 2022-08-31. Review status: criteria provided, single submitter. Criteria: Invitae Variant Classification Sherloc (09022015). Collection method: clinical testing. Allele origin: germline.
Comment: In summary, the available evidence is currently insufficient to determine the role of this variant in disease. Therefore, it has been classified as a Variant of Uncertain Significance. Algorithms developed to predict the effect of missense changes on protein structure and function are either unavailable or do not agree on the potential impact of this missense change (SIFT: "Deleterious"; PolyPhen-2: "Possibly Damaging"; Align-GVGD: "Class C0"). ClinVar contains an entry for this variant (Variation ID: 570925). This variant has not been reported in the literature in individuals affected with CLN6-related conditions. This variant is not present in population databases (gnomAD no frequency). This sequence change replaces alanine, which is neutral and non-polar, with valine, which is neutral and non-polar, at codon 124 of the CLN6 protein (p.Ala124Val).

NM_017882.3(CLN6):c.371C>T (p.Ala124Val)

Gene: CLN6 (CLN6 transmembrane ER protein; minus strand). Cytogenetic location: 15q23.
Variant type: single nucleotide variant.
Coding change: c.371C>T on transcript NM_017882.3 (MANE Select); coding-DNA position 371, C replaced by T.
Protein change: p.Ala124Val; replaces alanine 124 with valine.
Molecular consequence: missense variant.
Genome position (GRCh38, 1-based): chr15:68,211,790, G>A on the plus strand (C>T on the coding strand, the complement: CLN6 is on the minus strand). VCF-style: chr15-68211790-G-A. GRCh37 (hg19) VCF-style: chr15-68504128-G-A.
Other names: short protein forms A124V.
Identifiers: ClinVar variation 570925 (VCV000570925.9), dbSNP rs1567095879, ClinGen allele CA392973549.